The following is an entry in ClinVar:

ClinVar aggregate classification (germline): Uncertain significance. Review status: criteria provided, multiple submitters, no conflicts (2 of 4 stars). 5 submissions from 5 submitters: Uncertain significance (2). 3 of the submissions do not count toward it. Last evaluated 2025-02-02.

Conditions:
Inborn genetic diseases. Identifiers: MedGen C0950123, MeSH D030342.

Allele frequency attached by ClinVar (database versions not stated): ExAC 0.00001; gnomAD exomes 0.00001 and 0.00002; TOPMed 0.00001.
gnomAD v4.1: 20 of 1,197,329 alleles (0.0017%); highest among the groups gnomAD compares: Non-Finnish European, 0.0022%; no homozygotes.

Submissions (5):

Labcorp Genetics (formerly Invitae), Labcorp
Classification: Uncertain significance. Last evaluated: 2025-02-02. Review status: criteria provided, single submitter. Criteria: Invitae Variant Classification Sherloc (09022015). Collection method: clinical testing. Allele origin: germline.
Comment: This sequence change replaces aspartic acid, which is acidic and polar, with asparagine, which is neutral and polar, at codon 252 of the HUWE1 protein (p.Asp252Asn). This variant is present in population databases (rs782531338, gnomAD 0.001%). This variant has not been reported in the literature in individuals affected with HUWE1-related conditions. ClinVar contains an entry for this variant (Variation ID: 1206152). Invitae Evidence Modeling of protein sequence and biophysical properties (such as structural, functional, and spatial information, amino acid conservation, physicochemical variation, residue mobility, and thermodynamic stability) has been performed for this missense variant. However, the output from this modeling did not meet the statistical confidence thresholds required to predict the impact of this variant on HUWE1 protein function. In summary, the available evidence is currently insufficient to determine the role of this variant in disease. Therefore, it has been classified as a Variant of Uncertain Significance.

Ambry Genetics
Classification: Uncertain significance for Inborn genetic diseases. Last evaluated: 2021-08-17. Review status: criteria provided, single submitter. Criteria: Ambry Variant Classification Scheme 2023. Collection method: clinical testing. Allele origin: germline.

Clinical Genetics DNA and cytogenetics Diagnostics Lab, Erasmus MC, Erasmus Medical Center
Classification: Likely benign. Review status: no assertion criteria provided. Collection method: clinical testing. Allele origin: germline. Affected: yes. Study: VKGL Data-share Consensus. Not counted in ClinVar's aggregate classification.

Genome Diagnostics Laboratory, University Medical Center Utrecht
Classification: Likely benign. Review status: no assertion criteria provided. Collection method: clinical testing. Allele origin: germline. Affected: yes. Study: VKGL Data-share Consensus. Not counted in ClinVar's aggregate classification.

Laboratory of Diagnostic Genome Analysis, Leiden University Medical Center (LUMC)
Classification: Likely benign. Review status: no assertion criteria provided. Collection method: clinical testing. Allele origin: germline. Affected: yes. Study: VKGL Data-share Consensus. Not counted in ClinVar's aggregate classification.

NM_031407.7(HUWE1):c.754G>A (p.Asp252Asn)

Gene: HUWE1 (HECT, UBA and WWE domain containing E3 ubiquitin protein ligase 1; minus strand). Cytogenetic location: Xp11.22.
Variant type: single nucleotide variant.
Coding change: c.754G>A on transcript NM_031407.7 (MANE Select); coding-DNA position 754, G replaced by A.
Protein change: p.Asp252Asn; replaces aspartic acid 252 with asparagine.
Molecular consequence: missense variant.
Genome position (GRCh38, 1-based): chrX:53,631,422, C>T on the plus strand (G>A on the coding strand, the complement: HUWE1 is on the minus strand). VCF-style: chrX-53631422-C-T. GRCh37 (hg19) VCF-style: chrX-53658374-C-T.
Other names: c.754G>A (NM_031407.4); short protein forms D252N.
Identifiers: ClinVar variation 1206152 (VCV001206152.8), dbSNP rs782531338, ClinGen allele CA10423041.